The following is an entry in ClinVar:

ClinVar aggregate classification (germline): Conflicting classifications of pathogenicity. Review status: criteria provided, conflicting classifications (1 of 4 stars). 8 submissions from 8 submitters: Likely pathogenic (1); Uncertain significance (6). 1 of the submissions does not count toward it. Last evaluated 2026-06-03.

Conditions:
Usher syndrome. Also called: Usher's syndrome; Usher Syndromes. Identifiers: Orphanet 886, MedGen CN469326, MeSH D052245, MONDO:0019501. Disease mechanism: loss of function.
Retinitis pigmentosa 39 (RP39). Identifiers: Orphanet 791, MedGen C3151138, MONDO:0013436, OMIM 613809.
Usher syndrome type 2A. Also called: RETINAL DISEASE IN USHER SYNDROME TYPE IIA, MODIFIER OF; USHER SYNDROME, TYPE IIA. Identifiers: Orphanet 231178, Orphanet 886, MedGen C1848634, MONDO:0010169, OMIM 276901.

Allele frequency attached by ClinVar (database versions not stated): gnomAD exomes 0.00003 and 0.00004; ExAC 0.00005; gnomAD 0.00005; TOPMed 0.00008; ESP Exome Variant Server 0.00031.
gnomAD v4.1: 54 of 1,613,774 alleles (0.0033%); highest among the groups gnomAD compares: African/African-American, 0.012%; no homozygotes.

Submissions (8):

GeneDx
Classification: Uncertain significance. Last evaluated: 2026-06-03. Review status: criteria provided, single submitter. Criteria: GeneDx Variant Classification Process June 2021. Collection method: clinical testing. Allele origin: germline.
Comment: Identified in a patient with Leber congenital amaurosis in the published literature, although this patient was also heterozygous for variants in the CACNA1F and PDE6A genes (PMID: 29062221); In silico analysis suggests that this missense variant does not alter protein structure/function; This variant is associated with the following publications: (PMID: 29062221)

3billion
Classification: Uncertain significance for Retinitis pigmentosa 39. Last evaluated: 2024-11-25. Review status: criteria provided, single submitter. Criteria: ACMG Guidelines, 2015. Collection method: clinical testing. Allele origin: germline. Affected: yes.
Comment: The variant is observed at an extremely low frequency in the gnomAD v4.1.0 dataset (total allele frequency: 0.003%). Predicted Consequence/Location: Missense variant. The majority of the known disease-causing variants of this gene are variants expected to result in premature termination of the protein. In silico tool predictions suggest damaging effect of the variant on gene or gene product [3Cnet: 0.98 (>=0.6, sensitivity 0.72 and precision 0.9)]. The same nucleotide change resulting in the same amino acid change has been previously reported to be associated with USH2A related disorder (ClinVar ID: VCV000197579). However, the evidence of pathogenicity is insufficient at this time. Therefore, this variant is classified as VUS according to the recommendation of ACMG/AMP guideline.

Blueprint Genetics
Classification: Uncertain significance. Last evaluated: 2024-10-16. Review status: criteria provided, single submitter. Criteria: ACMG Guidelines, 2015. Collection method: clinical testing. Allele origin: germline.

Revvity Omics, Revvity
Classification: Uncertain significance. Last evaluated: 2023-11-16. Review status: criteria provided, single submitter. Criteria: ACMG Guidelines, 2015. Collection method: clinical testing. Allele origin: germline.

SN ONGC Dept of Genetics and Molecular biology Vision Research Foundation
Classification: Likely pathogenic for Usher syndrome. Last evaluated: 2022-12-31. Review status: criteria provided, single submitter. Criteria: ACMG Guidelines, 2015. Collection method: research. Allele origin: unknown. Affected: yes. Observed: 1 variant allele, 1 compound heterozygote.

Labcorp Genetics (formerly Invitae), Labcorp
Classification: Uncertain significance. Last evaluated: 2022-09-07. Review status: criteria provided, single submitter. Criteria: Invitae Variant Classification Sherloc (09022015). Collection method: clinical testing. Allele origin: germline.
Comment: This sequence change replaces valine, which is neutral and non-polar, with methionine, which is neutral and non-polar, at codon 3096 of the USH2A protein (p.Val3096Met). This variant is present in population databases (rs147267500, gnomAD 0.01%). This variant has not been reported in the literature in individuals affected with USH2A-related conditions. ClinVar contains an entry for this variant (Variation ID: 197579). Algorithms developed to predict the effect of missense changes on protein structure and function output the following: SIFT: "Deleterious"; PolyPhen-2: "Benign"; Align-GVGD: "Class C0". The methionine amino acid residue is found in multiple mammalian species, which suggests that this missense change does not adversely affect protein function. In summary, the available evidence is currently insufficient to determine the role of this variant in disease. Therefore, it has been classified as a Variant of Uncertain Significance.

Eurofins Ntd Llc (ga)
Classification: Uncertain significance. Last evaluated: 2014-05-27. Review status: criteria provided, single submitter. Criteria: EGL Classification Definitions 2015. Collection method: clinical testing. Allele origin: germline. Observed: 2 variant alleles, 2 heterozygotes.

Natera, Inc.
Classification: Uncertain significance for Usher syndrome type 2A. Last evaluated: 2020-02-24. Review status: no assertion criteria provided. Collection method: clinical testing. Allele origin: germline. Not counted in ClinVar's aggregate classification.

NM_206933.4(USH2A):c.9286G>A (p.Val3096Met)

Gene: USH2A (usherin; minus strand). Cytogenetic location: 1q41.
Variant type: single nucleotide variant.
Coding change: c.9286G>A on transcript NM_206933.4 (MANE Select); coding-DNA position 9286, G replaced by A.
Protein change: p.Val3096Met; replaces valine 3096 with methionine.
Molecular consequence: missense variant.
Genome position (GRCh38, 1-based): chr1:215,838,076, C>T on the plus strand (G>A on the coding strand, the complement: USH2A is on the minus strand). VCF-style: chr1-215838076-C-T. GRCh37 (hg19) VCF-style: chr1-216011418-C-T.
Other names: c.9286G>A (NM_206933.3); short protein forms V3096M.
Identifiers: ClinVar variation 197579 (VCV000197579.38), dbSNP rs147267500, ClinGen allele CA245826.